The following is an entry in ClinVar:

ClinVar aggregate classification (germline): Benign/Likely benign. Review status: criteria provided, multiple submitters, no conflicts (2 of 4 stars). 6 submissions from 6 submitters: Benign (4); Likely benign (1). 1 of the submissions does not count toward it. Last evaluated 2026-02-01.

Conditions:
RECQL4-related disorder. Also called: RECQL4-related disorders; RECQL4-related condition.
Rothmund-Thomson syndrome type 2 (RTS2). Identifiers: Orphanet 221016, MedGen C5203410, MONDO:0016369, OMIM 268400.
Baller-Gerold syndrome (BGS). Also called: CRANIOSYNOSTOSIS WITH RADIAL DEFECTS. Identifiers: Orphanet 1225, MedGen C0265308, MONDO:0009039, OMIM 218600.

Allele frequency attached by ClinVar (database versions not stated): gnomAD exomes 0.00259; ExAC 0.00324; 1000 Genomes Project 0.00719; 1000 Genomes Project 30x 0.00937; gnomAD 0.01080 and 0.01171; TOPMed 0.01189; ESP Exome Variant Server 0.01224.
gnomAD v4.1: 3,305 of 1,612,392 alleles (0.2%); highest among the groups gnomAD compares: African/African-American, 3.8%; 59 homozygotes.

Submissions (6):

Labcorp Genetics (formerly Invitae), Labcorp
Classification: Benign for Baller-Gerold syndrome. Last evaluated: 2026-02-01. Review status: criteria provided, single submitter. Criteria: Invitae Variant Classification Sherloc (09022015). Collection method: clinical testing. Allele origin: germline.

Blueprint Genetics
Classification: Likely benign. Last evaluated: 2024-11-13. Review status: criteria provided, single submitter. Criteria: ACMG Guidelines, 2015. Collection method: clinical testing. Allele origin: germline.

KCCC/NGS Laboratory, Kuwait Cancer Control Center
Classification: Benign for Rothmund-Thomson syndrome type 2. Last evaluated: 2023-07-07. Review status: criteria provided, single submitter. Criteria: ACMG Guidelines, 2015. Collection method: clinical testing. Allele origin: germline. Affected: yes.

GeneDx
Classification: Benign. Last evaluated: 2021-05-03. Review status: criteria provided, single submitter. Criteria: GeneDx Variant Classification Process June 2021. Collection method: clinical testing. Allele origin: germline. Affected: yes.

Breakthrough Genomics
Classification: Benign. Review status: criteria provided, single submitter. Criteria: ACMG Guidelines, 2015. Collection method: not provided. Allele origin: germline. Inheritance: Autosomal recessive inheritance. Affected: yes.

PreventionGenetics, part of Exact Sciences
Classification: Likely benign for RECQL4-related condition. Last evaluated: 2019-09-18. Review status: no assertion criteria provided. Collection method: clinical testing. Allele origin: germline. Not counted in ClinVar's aggregate classification.
Comment: This variant is classified as likely benign based on ACMG/AMP sequence variant interpretation guidelines (Richards et al. 2015 PMID: 25741868, with internal and published modifications).

NM_004260.4(RECQL4):c.300C>T (p.Gly100=)

Gene: RECQL4 (RecQ like helicase 4; minus strand). Cytogenetic location: 8q24.3.
Variant type: single nucleotide variant.
Coding change: c.300C>T on transcript NM_004260.4 (MANE Select); coding-DNA position 300, C replaced by T.
Protein change: p.Gly100=; no amino-acid change (glycine 100 retained).
Molecular consequence: synonymous variant.
Genome position (GRCh38, 1-based): chr8:144,517,104, G>A on the plus strand (C>T on the coding strand, the complement: RECQL4 is on the minus strand). VCF-style: chr8-144517104-G-A. GRCh37 (hg19) VCF-style: chr8-145742488-G-A.
Identifiers: ClinVar variation 414215 (VCV000414215.18), dbSNP rs34496005, ClinGen allele CA4949390.